The following is an entry in ClinVar:

NM_199355.4(ADAMTS18):c.528C>A (p.Phe176Leu)

Gene: ADAMTS18 (ADAM metallopeptidase with thrombospondin type 1 motif 18; minus strand). Cytogenetic location: 16q23.1.
Variant type: single nucleotide variant.
Coding change: c.528C>A on transcript NM_199355.4 (MANE Select); coding-DNA position 528, C replaced by A.
Protein change: p.Phe176Leu; replaces phenylalanine 176 with leucine.
Molecular consequence: missense variant.
Genome position (GRCh38, 1-based): chr16:77,367,691, G>T on the plus strand (C>A on the coding strand, the complement: ADAMTS18 is on the minus strand). VCF-style: chr16-77367691-G-T. GRCh37 (hg19) VCF-style: chr16-77401588-G-T.
Other names: c.8C>A, p.Ser3Tyr (NM_001326358.2); short protein forms F176L, S3Y.
Identifiers: ClinVar variation 2089886 (VCV002089886.4), dbSNP rs779339889, ClinGen allele CA8181642.

ClinVar aggregate classification (germline): Uncertain significance (1 of 4 stars; one submission).

Allele frequency attached by ClinVar (database versions not stated): ExAC 0.00001.

Submission:

Labcorp Genetics (formerly Invitae), Labcorp
Classification: Uncertain significance. Last evaluated: 2023-07-17. Review status: criteria provided, single submitter. Criteria: Invitae Variant Classification Sherloc (09022015). Collection method: clinical testing. Allele origin: germline.
Comment: In summary, the available evidence is currently insufficient to determine the role of this variant in disease. Therefore, it has been classified as a Variant of Uncertain Significance. An algorithm developed to predict the effect of missense changes on protein structure and function (PolyPhen-2) suggests that this variant is likely to be tolerated. ClinVar contains an entry for this variant (Variation ID: 2089886). This variant has not been reported in the literature in individuals affected with ADAMTS18-related conditions. This variant is not present in population databases (gnomAD no frequency). This sequence change replaces phenylalanine, which is neutral and non-polar, with leucine, which is neutral and non-polar, at codon 176 of the ADAMTS18 protein (p.Phe176Leu).